The following is an entry in ClinVar:

NM_000552.5(VWF):c.5779T>C (p.Cys1927Arg)

Gene: VWF (von Willebrand factor; minus strand). Cytogenetic location: 12p13.31.
Variant type: single nucleotide variant.
Coding change: c.5779T>C on transcript NM_000552.5 (MANE Select); coding-DNA position 5779, T replaced by C.
Protein change: p.Cys1927Arg; replaces cysteine 1927 with arginine.
Molecular consequence: missense variant.
Genome position (GRCh38, 1-based): chr12:6,011,680, A>G on the plus strand (T>C on the coding strand, the complement: VWF is on the minus strand). VCF-style: chr12-6011680-A-G. GRCh37 (hg19) VCF-style: chr12-6120846-A-G.
Other names: short protein forms C1927R.
Identifiers: ClinVar variation 1065264 (VCV001065264.3), dbSNP rs2136403498, ClinGen allele CA383493120.
Genomic context (GRCh38, chr12:6,011,680, plus strand): 5'-GGCAGGTCCAGCGGCAGCCACAGGTCTCTTCCACTTTAACAGGGGACTGGCTGTTAGGGC[A>G]CGAAGGCCTCAGCCCCCGGTCACAGTTGACCCGATGACTCTTCAGCAAGGTCTGGCCATC-3'
Protein context (NP_000543.3, residues 1917-1937): VNCDRGLRPS[Cys1927Arg]PNSQSPVKVE

ClinVar aggregate classification (germline): Uncertain significance (0 of 4 stars; one submission).

Conditions:
von Willebrand disease type 3 (VWD3). Also called: Type 3 Von Willebrand's disease; Type 3 VWD; Von Willebrand disease, severe form; V WD3; VON WILLEBRAND DISEASE, TYPE III. Identifiers: Orphanet 166096, MedGen C1264041, MONDO:0010191, OMIM 277480.

Submission:

Angelo Bianchi Bonomi Hemophilia and Thrombosis Center, Fondazione IRCCS Ca Granda Ospedale Maggiore Policlinico
Classification: Uncertain significance for von Willebrand disease type 3. Last evaluated: 2020-11-01. Review status: no assertion criteria provided. Collection method: clinical testing. Allele origin: germline. Affected: yes. Study: Type 3 Von Willebrand International Registries Inhibitor Prospective Study (3WINTERS-IPS).
Comment: ClinGen Pathogenicity Calculator